The following is an entry in ClinVar:

ClinVar aggregate classification (germline): Uncertain significance (1 of 4 stars; one submission).

Conditions:
RASopathy. Also called: Noonan spectrum disorder; rasopathies. Identifiers: Orphanet 536391, MedGen C5555857, MONDO:0021060.

Submission:

Labcorp Genetics (formerly Invitae), Labcorp
Classification: Uncertain significance for RASopathy. Last evaluated: 2022-05-26. Review status: criteria provided, single submitter. Criteria: Invitae Variant Classification Sherloc (09022015). Collection method: clinical testing. Allele origin: germline.
Comment: In summary, the available evidence is currently insufficient to determine the role of this variant in disease. Therefore, it has been classified as a Variant of Uncertain Significance. Advanced modeling of protein sequence and biophysical properties (such as structural, functional, and spatial information, amino acid conservation, physicochemical variation, residue mobility, and thermodynamic stability) performed at Invitae indicates that this missense variant is not expected to disrupt PTPN11 protein function. This variant has not been reported in the literature in individuals affected with PTPN11-related conditions. This variant is not present in population databases (gnomAD no frequency). This sequence change replaces alanine, which is neutral and non-polar, with threonine, which is neutral and polar, at codon 376 of the PTPN11 protein (p.Ala376Thr).

NM_002834.5(PTPN11):c.1126G>A (p.Ala376Thr)

Gene: PTPN11 (protein tyrosine phosphatase non-receptor type 11; plus strand). Cytogenetic location: 12q24.13.
Variant type: single nucleotide variant.
Coding change: c.1126G>A on transcript NM_002834.5 (MANE Select); coding-DNA position 1126, G replaced by A.
Protein change: p.Ala376Thr; replaces alanine 376 with threonine.
Molecular consequence: missense variant.
Genome position (GRCh38, 1-based): chr12:112,482,107, G>A. VCF-style: chr12-112482107-G-A. GRCh37 (hg19) VCF-style: chr12-112919911-G-A.
Other names: c.1126G>A, p.Ala376Thr (NM_001330437.2, NM_080601.3); c.1123G>A, p.Ala375Thr (NM_001374625.1); short protein forms A375T, A376T.
Identifiers: ClinVar variation 2136519 (VCV002136519.4), dbSNP rs2540456955, ClinGen allele CA386775629.